The following is an entry in ClinVar:

ClinVar aggregate classification (germline): Uncertain significance (1 of 4 stars; one submission).

Conditions:
Spermatogenic failure 65 (SPGF65). Identifiers: MedGen C5562067, MONDO:0030531, OMIM 619712.

gnomAD v4.1: 74 of 1,552,074 alleles (0.0048%); highest among the groups gnomAD compares: South Asian, 0.011%; no homozygotes.

Submission:

Juno Genomics, Hangzhou Juno Genomics, Inc
Classification: Uncertain significance for Spermatogenic failure 65. Review status: criteria provided, single submitter. Criteria: ACMG Guidelines, 2015. Collection method: clinical testing. Allele origin: germline.
Comment: Absent from controls (or at extremely low frequency if recessive) in Genome Aggregation Database.;Missense variant in a gene that has a low rate of benign missense variation.

NM_144666.3(DNHD1):c.4156C>T (p.Arg1386Cys)

Gene: DNHD1 (dynein heavy chain domain 1; plus strand). Cytogenetic location: 11p15.4.
Variant type: single nucleotide variant.
Coding change: c.4156C>T on transcript NM_144666.3 (MANE Select); coding-DNA position 4156, C replaced by T.
Protein change: p.Arg1386Cys; replaces arginine 1386 with cysteine.
Molecular consequence: missense variant.
Genome position (GRCh38, 1-based): chr11:6,545,095, C>T. VCF-style: chr11-6545095-C-T. GRCh37 (hg19) VCF-style: chr11-6566325-C-T.
Other names: short protein forms R1386C.
Identifiers: ClinVar variation 5007896 (VCV005007896.2).